The following is an entry in ClinVar:

ClinVar aggregate classification (germline): Uncertain significance (1 of 4 stars; one submission).

Submission:

Labcorp Genetics (formerly Invitae), Labcorp
Classification: Uncertain significance. Last evaluated: 2022-05-27. Review status: criteria provided, single submitter. Criteria: Invitae Variant Classification Sherloc (09022015). Collection method: clinical testing. Allele origin: germline.
Comment: This sequence change replaces lysine, which is basic and polar, with arginine, which is basic and polar, at codon 1349 of the ERCC6L2 protein (p.Lys1349Arg). This variant is not present in population databases (gnomAD no frequency). This variant has not been reported in the literature in individuals affected with ERCC6L2-related conditions. Algorithms developed to predict the effect of missense changes on protein structure and function are either unavailable or do not agree on the potential impact of this missense change (SIFT: "Tolerated"; PolyPhen-2: "Not Available"; Align-GVGD: "Class C0"). In summary, the available evidence is currently insufficient to determine the role of this variant in disease. Therefore, it has been classified as a Variant of Uncertain Significance.

NM_020207.7(ERCC6L2):c.4013A>G (p.Lys1338Arg)

Gene: ERCC6L2 (ERCC excision repair 6 like 2; plus strand). Cytogenetic location: 9q22.32.
Variant type: single nucleotide variant.
Coding change: c.4013A>G on transcript NM_020207.7 (MANE Select); coding-DNA position 4013, A replaced by G.
Protein change: p.Lys1338Arg; replaces lysine 1338 with arginine.
Molecular consequence: missense variant. On other transcripts: non-coding transcript variant (1), intron variant (2).
Genome position (GRCh38, 1-based): chr9:96,012,563, A>G. VCF-style: chr9-96012563-A-G. GRCh37 (hg19) VCF-style: chr9-98774845-A-G.
Other names: c.3674+7862A>G (NM_001375291.1, NM_001375292.1); short protein forms K1338R.
Identifiers: ClinVar variation 2101458 (VCV002101458.4), dbSNP rs2490772153, ClinGen allele CA466121563.